The following is an entry in ClinVar:

ClinVar aggregate classification (germline): Uncertain significance (1 of 4 stars; one submission).

Conditions:
Wilms tumor 1 (WT1). Also called: Wilms tumor, somatic. Identifiers: Orphanet 654, MedGen CN033288, MONDO:0008679, OMIM 194070.

Submission:

Labcorp Genetics (formerly Invitae), Labcorp
Classification: Uncertain significance for Wilms tumor 1. Last evaluated: 2024-04-23. Review status: criteria provided, single submitter. Criteria: Invitae Variant Classification Sherloc (09022015). Collection method: clinical testing. Allele origin: germline.
Comment: This sequence change replaces lysine, which is basic and polar, with arginine, which is basic and polar, at codon 370 of the GPC3 protein (p.Lys370Arg). This variant is not present in population databases (gnomAD no frequency). This variant has not been reported in the literature in individuals affected with GPC3-related conditions. ClinVar contains an entry for this variant (Variation ID: 2074176). Advanced modeling of protein sequence and biophysical properties (such as structural, functional, and spatial information, amino acid conservation, physicochemical variation, residue mobility, and thermodynamic stability) performed at Invitae indicates that this missense variant is not expected to disrupt GPC3 protein function with a negative predictive value of 80%. In summary, the available evidence is currently insufficient to determine the role of this variant in disease. Therefore, it has been classified as a Variant of Uncertain Significance.

NM_004484.4(GPC3):c.1109A>G (p.Lys370Arg)

Gene: GPC3 (glypican 3; minus strand). Cytogenetic location: Xq26.2.
Variant type: single nucleotide variant.
Coding change: c.1109A>G on transcript NM_004484.4 (MANE Select); coding-DNA position 1109, A replaced by G.
Protein change: p.Lys370Arg; replaces lysine 370 with arginine.
Molecular consequence: missense variant.
Genome position (GRCh38, 1-based): chrX:133,699,952, T>C on the plus strand (A>G on the coding strand, the complement: GPC3 is on the minus strand). VCF-style: chrX-133699952-T-C. GRCh37 (hg19) VCF-style: chrX-132833980-T-C.
Other names: c.1178A>G, p.Lys393Arg (NM_001164617.2); c.1061A>G, p.Lys354Arg (NM_001164618.2); c.947A>G, p.Lys316Arg (NM_001164619.2); short protein forms K316R, K370R, K393R, K354R.
Identifiers: ClinVar variation 2074176 (VCV002074176.4), dbSNP rs2521160955, ClinGen allele CA414699743.